The following is an entry in ClinVar:

ClinVar aggregate classification (germline): Pathogenic (1 of 4 stars; one submission).

gnomAD v4.1: 1 of 1,210,823 alleles (0.000083%); highest among the groups gnomAD compares: Non-Finnish European, 0.00011%; no homozygotes.

Submission:

GeneDx
Classification: Pathogenic. Last evaluated: 2026-01-31. Review status: criteria provided, single submitter. Criteria: GeneDx Variant Classification Process June 2021. Collection method: clinical testing. Allele origin: germline.
Comment: Not observed at significant frequency in large population cohorts (gnomAD); In silico analysis supports that this missense variant has a deleterious effect on protein structure/function; Has not been previously published as pathogenic or benign to our knowledge

NM_001356.5(DDX3X):c.1108A>G (p.Met370Val)

Gene: DDX3X (DEAD-box helicase 3 X-linked; plus strand). Cytogenetic location: Xp11.4.
Variant type: single nucleotide variant.
Coding change: c.1108A>G on transcript NM_001356.5 (MANE Select); coding-DNA position 1108, A replaced by G.
Protein change: p.Met370Val; replaces methionine 370 with valine.
Molecular consequence: missense variant. On other transcripts: non-coding transcript variant (1).
Genome position (GRCh38, 1-based): chrX:41,345,262, A>G. VCF-style: chrX-41345262-A-G. GRCh37 (hg19) VCF-style: chrX-41204515-A-G.
Other names: c.1108A>G, p.Met370Val (NM_001193416.3); c.1060A>G, p.Met354Val (NM_001193417.3); c.550A>G, p.Met184Val (NM_001363819.1); short protein forms M184V, M354V, M370V.
Identifiers: ClinVar variation 4975092 (VCV004975092.1).